The following is an entry in ClinVar:

NM_003482.4(KMT2D):c.14530G>T (p.Gly4844Cys)

Gene: KMT2D (lysine methyltransferase 2D; minus strand). Cytogenetic location: 12q13.12.
Variant type: single nucleotide variant.
Coding change: c.14530G>T on transcript NM_003482.4 (MANE Select); coding-DNA position 14530, G replaced by T.
Protein change: p.Gly4844Cys; replaces glycine 4844 with cysteine.
Molecular consequence: missense variant.
Genome position (GRCh38, 1-based): chr12:49,027,916, C>A on the plus strand (G>T on the coding strand, the complement: KMT2D is on the minus strand). VCF-style: chr12-49027916-C-A. GRCh37 (hg19) VCF-style: chr12-49421699-C-A.
Other names: short protein forms G4844C.
Identifiers: ClinVar variation 2431859 (VCV002431859.2), dbSNP rs2120377099, ClinGen allele CA384694639.

ClinVar aggregate classification (germline): Uncertain significance (1 of 4 stars; one submission).

Conditions:
Choanal atresia-athelia-hypothyroidism-delayed puberty-short stature syndrome (BCAHH). Also called: BRANCHIAL ARCH ABNORMALITIES, CHOANAL ATRESIA, ATHELIA, HEARING LOSS, AND HYPOTHYROIDISM SYNDROME. Identifiers: Orphanet 589856, MedGen C5680310, MONDO:0035651, OMIM 620186.

Submission:

Laboratorio de Genetica e Diagnostico Molecular, Hospital Israelita Albert Einstein
Classification: Uncertain significance for Choanal atresia-athelia-hypothyroidism-delayed puberty-short stature syndrome. Last evaluated: 2022-03-10. Review status: criteria provided, single submitter. Criteria: ACMG Guidelines, 2015. Collection method: clinical testing. Allele origin: germline. Affected: yes.
Comment: ACMG classification criteria: PM2 moderated, BP4 supporting